The following is an entry in ClinVar:

NM_000038.6(APC):c.1484_1488del (p.Ile495fs)

Gene: APC (APC regulator of Wnt signaling pathway; plus strand). Cytogenetic location: 5q22.2.
Variant type: Deletion.
Coding change: c.1484_1488del on transcript NM_000038.6 (MANE Select); coding-DNA positions 1484 to 1488, 5 bases deleted (TTACA; older notation c.1484_1488delTTACA).
Protein change: p.Ile495fs; shifts the reading frame from isoleucine 495.
Molecular consequence: frameshift variant.
Genome position (GRCh38, 1-based): chr5:112,827,183-112,827,187, TTACA deleted; deleting any 5 consecutive bases within chr5:112,827,182-112,827,187 gives the same sequence; the c. name uses the placement nearest the transcript's 3' end. VCF-style (leftmost placement, unchanged base first): chr5-112827181-TATTAC-T. GRCh37 (hg19) VCF-style: chr5-112162878-TATTAC-T.
Other names: c.1484_1488del, p.Ile495fs (NM_001127510.3, NM_001354895.2); c.1430_1434del, p.Ile477fs (NM_001127511.3); c.1538_1542del, p.Ile513fs (NM_001354896.2); c.1514_1518del, p.Ile505fs (NM_001354897.2); c.1409_1413del, p.Ile470fs (NM_001354898.2); c.1400_1404del, p.Ile467fs (NM_001354899.2); c.1361_1365del, p.Ile454fs (NM_001354900.2); c.1307_1311del, p.Ile436fs (NM_001354901.2); and 16 more; short protein forms I212fs, I477fs, I369fs, I454fs, I495fs, I335fs, I436fs, I394fs.
Identifiers: ClinVar variation 2123098 (VCV002123098.4), dbSNP rs2533197623, ClinGen allele CA2580072274.

ClinVar aggregate classification (germline): Pathogenic (1 of 4 stars; one submission).

Conditions:
Familial adenomatous polyposis 1 (FAP1). Also called: POLYPOSIS, ADENOMATOUS INTESTINAL; FAMILIAL ADENOMATOUS POLYPOSIS 1, ATTENUATED. Identifiers: MedGen C2713442, MONDO:0021056, OMIM 175100. Disease mechanism: loss of function.

Submission:

Labcorp Genetics (formerly Invitae), Labcorp
Classification: Pathogenic for Familial adenomatous polyposis 1. Last evaluated: 2022-04-08. Review status: criteria provided, single submitter. Criteria: Invitae Variant Classification Sherloc (09022015). Collection method: clinical testing. Allele origin: germline.
Comment: This sequence change creates a premature translational stop signal (p.Ile495Thrfs*40) in the APC gene. It is expected to result in an absent or disrupted protein product. Loss-of-function variants in APC are known to be pathogenic (PMID: 17963004, 20685668). This variant is not present in population databases (gnomAD no frequency). This variant has not been reported in the literature in individuals affected with APC-related conditions. For these reasons, this variant has been classified as Pathogenic.

Literature cited by the submitters: PubMed 17963004; PubMed 20685668.